The following is an entry in ClinVar:

NM_133259.4(LRPPRC):c.1466A>G (p.Asn489Ser)

Gene: LRPPRC (leucine rich pentatricopeptide repeat containing; minus strand). Cytogenetic location: 2p21.
Variant type: single nucleotide variant.
Coding change: c.1466A>G on transcript NM_133259.4 (MANE Select); coding-DNA position 1466, A replaced by G.
Protein change: p.Asn489Ser; replaces asparagine 489 with serine.
Molecular consequence: missense variant.
Genome position (GRCh38, 1-based): chr2:43,963,610, T>C on the plus strand (A>G on the coding strand, the complement: LRPPRC is on the minus strand). VCF-style: chr2-43963610-T-C. GRCh37 (hg19) VCF-style: chr2-44190749-T-C.
Other names: short protein forms N489S.
Identifiers: ClinVar variation 2013245 (VCV002013245.4), dbSNP rs2466627271, ClinGen allele CA346679220.

ClinVar aggregate classification (germline): Uncertain significance (1 of 4 stars; one submission).

Submission:

Labcorp Genetics (formerly Invitae), Labcorp
Classification: Uncertain significance. Last evaluated: 2024-01-24. Review status: criteria provided, single submitter. Criteria: Invitae Variant Classification Sherloc (09022015). Collection method: clinical testing. Allele origin: germline.
Comment: This sequence change replaces asparagine, which is neutral and polar, with serine, which is neutral and polar, at codon 489 of the LRPPRC protein (p.Asn489Ser). This variant is not present in population databases (gnomAD no frequency). This variant has not been reported in the literature in individuals affected with LRPPRC-related conditions. ClinVar contains an entry for this variant (Variation ID: 2013245). Advanced modeling of protein sequence and biophysical properties (such as structural, functional, and spatial information, amino acid conservation, physicochemical variation, residue mobility, and thermodynamic stability) performed at Invitae indicates that this missense variant is not expected to disrupt LRPPRC protein function with a negative predictive value of 80%. In summary, the available evidence is currently insufficient to determine the role of this variant in disease. Therefore, it has been classified as a Variant of Uncertain Significance.